The following is an entry in ClinVar:

ClinVar aggregate classification (germline): Uncertain significance (1 of 4 stars; one submission).

Conditions:
Developmental and epileptic encephalopathy, 42 (DEE42A). Also called: DEVELOPMENTAL AND EPILEPTIC ENCEPHALOPATHY 42A; EPILEPTIC ENCEPHALOPATHY, EARLY INFANTILE, 42A; Epileptic encephalopathy, early infantile, 42. Identifiers: MedGen C4310716, MONDO:0014917, OMIM 617106.
Episodic ataxia type 2 (EA2). Also called: ACETAZOLAMIDE-RESPONSIVE HEREDITARY PAROXYSMAL CEREBELLAR ATAXIA; EPISODIC ATAXIA, NYSTAGMUS-ASSOCIATED; ATAXIA, EPISODIC, WITH NYSTAGMUS; ATAXIA, FAMILIAL PAROXYSMAL; CEREBELLAR ATAXIA, PAROXYSMAL, ACETAZOLAMIDE-RESPONSIVE; CEREBELLOPATHY, HEREDITARY PAROXYSMAL. Identifiers: Orphanet 97, MedGen C1720416, MONDO:0007163, OMIM 108500.

Submission:

Labcorp Genetics (formerly Invitae), Labcorp
Classification: Uncertain significance for Developmental and epileptic encephalopathy, 42; Episodic ataxia type 2. Last evaluated: 2020-06-28. Review status: criteria provided, single submitter. Criteria: Invitae Variant Classification Sherloc (09022015). Collection method: clinical testing. Allele origin: germline.
Comment: Algorithms developed to predict the effect of missense changes on protein structure and function are either unavailable or do not agree on the potential impact of this missense change (SIFT: "Deleterious"; PolyPhen-2: "Possibly Damaging"; Align-GVGD: "Class C0"). In summary, the available evidence is currently insufficient to determine the role of this variant in disease. Therefore, it has been classified as a Variant of Uncertain Significance. This variant has not been reported in the literature in individuals with CACNA1A-related conditions. This variant is not present in population databases (ExAC no frequency). This sequence change replaces leucine with valine at codon 1900 of the CACNA1A protein (p.Leu1900Val). The leucine residue is highly conserved and there is a small physicochemical difference between leucine and valine.

NM_001127222.2(CACNA1A):c.5695C>G (p.Leu1899Val)

Gene: CACNA1A (calcium voltage-gated channel subunit alpha1 A; minus strand). Cytogenetic location: 19p13.13.
Variant type: single nucleotide variant.
Coding change: c.5695C>G on transcript NM_001127222.2 (MANE Select); coding-DNA position 5695, C replaced by G.
Protein change: p.Leu1899Val; replaces leucine 1899 with valine.
Molecular consequence: missense variant.
Genome position (GRCh38, 1-based): chr19:13,224,703, G>C on the plus strand (C>G on the coding strand, the complement: CACNA1A is on the minus strand). VCF-style: chr19-13224703-G-C. GRCh37 (hg19) VCF-style: chr19-13335517-G-C.
Other names: c.5713C>G, p.Leu1905Val (NM_000068.4, NM_023035.3); c.5698C>G, p.Leu1900Val (NM_001127221.2); c.5704C>G, p.Leu1902Val (NM_001174080.2); short protein forms L1899V, L1900V, L1902V, L1905V.
Identifiers: ClinVar variation 1026702 (VCV001026702.9), dbSNP rs2055369392, ClinGen allele CA404336906.